The following is an entry in ClinVar:

ClinVar aggregate classification (germline): Likely pathogenic. Review status: criteria provided, multiple submitters, no conflicts (2 of 4 stars). 2 submissions from 2 submitters: Likely pathogenic (2). Last evaluated 2023-11-10.

Conditions:
3-hydroxyisobutyryl-CoA hydrolase deficiency. Also called: HIBCH DEFICIENCY; METHACRYLIC ACID TOXICITY; METHACRYLIC ACIDURIA; VALINE METABOLIC DEFECT; Reduced circulating 3-hydroxyisobutyryl-CoA hydrolase activity; Deficiency of 3-hydroxyisobutyryl CoA hydrolase. Identifiers: Orphanet 88639, MedGen C0342738, MONDO:0009603, OMIM 250620, HP:6000215.

Allele frequency attached by ClinVar (database versions not stated): gnomAD 0.00001; gnomAD exomes 0.00001; TOPMed 0.00001.
gnomAD v4.1: 16 of 1,613,246 alleles (0.00099%); highest among the groups gnomAD compares: East Asian, 0.0045%; no homozygotes.

Submissions (2):

Revvity Omics, Revvity
Classification: Likely pathogenic for 3-hydroxyisobutyryl-CoA hydrolase deficiency. Last evaluated: 2023-11-10. Review status: criteria provided, single submitter. Criteria: ACMG Guidelines, 2015. Collection method: clinical testing. Allele origin: germline.

Juno Genomics, Hangzhou Juno Genomics, Inc
Classification: Likely pathogenic for 3-hydroxyisobutyryl-CoA hydrolase deficiency. Review status: criteria provided, single submitter. Criteria: ACMG Guidelines, 2015. Collection method: clinical testing. Allele origin: germline.
Comment: Absent from controls (or at extremely low frequency if recessive) in Genome Aggregation Database.;Null variant in a gene where loss of function (LOF) is a known mechanism of disease.

NM_014362.4(HIBCH):c.556C>T (p.Arg186Ter)

Gene: HIBCH (3-hydroxyisobutyryl-CoA hydrolase; minus strand). Cytogenetic location: 2q32.2.
Variant type: single nucleotide variant.
Coding change: c.556C>T on transcript NM_014362.4 (MANE Select); coding-DNA position 556, C replaced by T.
Protein change: p.Arg186Ter; replaces arginine 186 with a stop codon.
Molecular consequence: nonsense.
Genome position (GRCh38, 1-based): chr2:190,252,269, G>A on the plus strand (C>T on the coding strand, the complement: HIBCH is on the minus strand). VCF-style: chr2-190252269-G-A. GRCh37 (hg19) VCF-style: chr2-191116995-G-A.
Other names: c.556C>T, p.Arg186Ter (NM_198047.3); short protein forms R186*.
Identifiers: ClinVar variation 2440721 (VCV002440721.5), dbSNP rs1357291112, ClinGen allele CA349890846.
Genomic context (GRCh38, chr2:190,252,269, plus strand): 5'-CTCTTCCTTTTAGTCTGAATCCTGTTAATGCAAGGAAGTAACCAAGTTTTCCTTGGAGTC[G>A]TGGCAAGAAATAACCTCCACCCACATCAGGGAACAGTCCTGTAATTAAATGTAACAAAAA-3'